The following is an entry in ClinVar:

ClinVar aggregate classification (germline): Uncertain significance (1 of 4 stars; one submission).

Conditions:
Hereditary cancer-predisposing syndrome. Also called: Neoplastic Syndromes, Hereditary; Tumor predisposition; Hereditary neoplastic syndrome; Hereditary Cancer Syndrome. Identifiers: Orphanet 140162, MedGen C0027672, MeSH D009386, MONDO:0015356.

Submission:

Ambry Genetics
Classification: Uncertain significance for Hereditary cancer-predisposing syndrome. Last evaluated: 2026-07-07. Review status: criteria provided, single submitter. Criteria: Ambry Variant Classification Scheme 2023. Collection method: clinical testing. Allele origin: germline.
Comment: The p.S553G variant (also known as c.1657A>G), located in coding exon 4 of the MET gene, results from an A to G substitution at nucleotide position 1657. The serine at codon 553 is replaced by glycine, an amino acid with similar properties. This amino acid position is conserved. In addition, this alteration is predicted to be tolerated by in silico analysis. Based on the available evidence, the clinical significance of this variant remains unclear.

NM_000245.4(MET):c.1657A>G (p.Ser553Gly)

Gene: MET (MET proto-oncogene, receptor tyrosine kinase; plus strand). Cytogenetic location: 7q31.2.
Variant type: single nucleotide variant.
Coding change: c.1657A>G on transcript NM_000245.4 (MANE Select); coding-DNA position 1657, A replaced by G.
Protein change: p.Ser553Gly; replaces serine 553 with glycine.
Molecular consequence: missense variant.
Genome position (GRCh38, 1-based): chr7:116,740,981, A>G. VCF-style: chr7-116740981-A-G. GRCh37 (hg19) VCF-style: chr7-116381035-A-G.
Other names: c.1657A>G, p.Ser553Gly (NM_001127500.3, NM_001324401.3); c.367A>G, p.Ser123Gly (NM_001324402.2); short protein forms S553G, S123G.
Identifiers: ClinVar variation 5024384 (VCV005024384.1).